The following is an entry in ClinVar:

NM_017777.4(MKS1):c.596C>A (p.Thr199Asn)

Gene: MKS1 (MKS transition zone complex subunit 1; minus strand). Cytogenetic location: 17q22.
Variant type: single nucleotide variant.
Coding change: c.596C>A on transcript NM_017777.4 (MANE Select); coding-DNA position 596, C replaced by A.
Protein change: p.Thr199Asn; replaces threonine 199 with asparagine.
Molecular consequence: missense variant. On other transcripts: 5 prime UTR variant (1).
Genome position (GRCh38, 1-based): chr17:58,214,307, G>T on the plus strand (C>A on the coding strand, the complement: MKS1 is on the minus strand). VCF-style: chr17-58214307-G-T. GRCh37 (hg19) VCF-style: chr17-56291668-G-T.
Other names: c.-14C>A (NM_001321268.2); c.596C>A, p.Thr199Asn (NM_001321269.2, NM_001330397.2, NM_001411113.1); short protein forms T199N.
Identifiers: ClinVar variation 4997822 (VCV004997822.1).

ClinVar aggregate classification (germline): Uncertain significance (1 of 4 stars; one submission).

Conditions:
MKS1-related disorder. Also called: MKS1-related disorders; MKS1-related condition. Identifiers: MedGen CN239382.

gnomAD v4.1: 1 of 1,614,158 alleles (0.000062%); highest among the groups gnomAD compares: East Asian, 0.0022%; no homozygotes.

Submission:

PreventionGenetics, part of Exact Sciences
Classification: Uncertain significance for MKS1-related condition. Last evaluated: 2025-03-07. Review status: criteria provided, single submitter. Criteria: ACMG Guidelines, 2015. Collection method: clinical testing. Allele origin: germline.
Comment: The MKS1 c.596C>A variant is predicted to result in the amino acid substitution p.Thr199Asn. To our knowledge, this variant has not been reported in the literature or in a large population database (gnomAD), indicating this variant is rare. At this time, the clinical significance of this variant is uncertain due to the absence of conclusive functional and genetic evidence.